The following is an entry in ClinVar:

ClinVar aggregate classification (germline): Uncertain significance (1 of 4 stars; one submission).

Allele frequency attached by ClinVar (database versions not stated): gnomAD exomes below 0.00001; ExAC 0.00001; gnomAD 0.00001.
gnomAD v4.1: 5 of 1,614,062 alleles (0.00031%); highest among the groups gnomAD compares: Non-Finnish European, 0.00042%; no homozygotes.

Submission:

Labcorp Genetics (formerly Invitae), Labcorp
Classification: Uncertain significance. Last evaluated: 2022-06-20. Review status: criteria provided, single submitter. Criteria: Invitae Variant Classification Sherloc (09022015). Collection method: clinical testing. Allele origin: germline.
Comment: This sequence change replaces glycine, which is neutral and non-polar, with valine, which is neutral and non-polar, at codon 2701 of the LRP2 protein (p.Gly2701Val). This variant is present in population databases (rs768131622, gnomAD 0.0009%). This variant has not been reported in the literature in individuals affected with LRP2-related conditions. Advanced modeling of protein sequence and biophysical properties (such as structural, functional, and spatial information, amino acid conservation, physicochemical variation, residue mobility, and thermodynamic stability) performed at Invitae indicates that this missense variant is not expected to disrupt LRP2 protein function. In summary, the available evidence is currently insufficient to determine the role of this variant in disease. Therefore, it has been classified as a Variant of Uncertain Significance.

NM_004525.3(LRP2):c.8102G>T (p.Gly2701Val)

Gene: LRP2 (LDL receptor related protein 2; minus strand). Cytogenetic location: 2q31.1.
Variant type: single nucleotide variant.
Coding change: c.8102G>T on transcript NM_004525.3 (MANE Select); coding-DNA position 8102, G replaced by T.
Protein change: p.Gly2701Val; replaces glycine 2701 with valine.
Molecular consequence: missense variant.
Genome position (GRCh38, 1-based): chr2:169,202,863, C>A on the plus strand (G>T on the coding strand, the complement: LRP2 is on the minus strand). VCF-style: chr2-169202863-C-A. GRCh37 (hg19) VCF-style: chr2-170059373-C-A.
Other names: short protein forms G2701V.
Identifiers: ClinVar variation 1369981 (VCV001369981.7), dbSNP rs768131622, ClinGen allele CA1953935.